The following is an entry in ClinVar:

NM_022144.3(TNMD):c.298T>C (p.Leu100=)

Gene: TNMD (tenomodulin; plus strand). Cytogenetic location: Xq22.1.
Variant type: single nucleotide variant.
Coding change: c.298T>C on transcript NM_022144.3 (MANE Select); coding-DNA position 298, T replaced by C.
Protein change: p.Leu100=; no amino-acid change (leucine 100 retained).
Molecular consequence: synonymous variant.
Genome position (GRCh38, 1-based): chrX:100,594,012, T>C. VCF-style: chrX-100594012-T-C. GRCh37 (hg19) VCF-style: chrX-99849009-T-C.
Identifiers: ClinVar variation 2661031 (VCV002661031.24), dbSNP rs1219565379, ClinGen allele CA517704357.

ClinVar aggregate classification (germline): Likely benign (1 of 4 stars; one submission).

Allele frequency attached by ClinVar (database versions not stated): gnomAD exomes 0.00001.

Submission:

CeGaT Center for Human Genetics Tuebingen
Classification: Likely benign. Last evaluated: 2022-05-01. Review status: criteria provided, single submitter. Criteria: CeGaT Center For Human Genetics Tuebingen Variant Classification Criteria Version 2. Collection method: clinical testing. Allele origin: germline. Affected: yes. Observed: 1 variant allele.
Comment: TNMD: BP4, BP7